The following is an entry in ClinVar:

NM_001110556.2(FLNA):c.6329_6330del (p.Glu2110fs)

Gene: FLNA (filamin A; minus strand). Cytogenetic location: Xq28.
Variant type: Microsatellite.
Coding change: c.6329_6330del on transcript NM_001110556.2 (MANE Select); coding-DNA positions 6329 to 6330, 2 bases deleted (AG; older notation c.6329_6330delAG).
Protein change: p.Glu2110fs; shifts the reading frame from glutamic acid 2110.
Molecular consequence: frameshift variant.
Genome position (GRCh38, 1-based): chrX:154,352,821-154,352,822, CT deleted on the plus strand (AG on the coding strand, the reverse complement: FLNA is on the minus strand); deleting any 2 consecutive bases within chrX:154,352,821-154,352,824 gives the same sequence; the c. name uses the placement nearest the transcript's 3' end. VCF-style (leftmost placement, unchanged base first): chrX-154352820-GCT-G. GRCh37 (hg19) VCF-style: chrX-153581188-GCT-G.
Other names: c.6305_6306del, p.Glu2102fs (NM_001456.4); short protein forms E2102fs, E2110fs.
Identifiers: ClinVar variation 1072754 (VCV001072754.7), dbSNP rs2148104615, ClinGen allele CA2580612327.

ClinVar aggregate classification (germline): Pathogenic (1 of 4 stars; one submission).

Conditions:
Heterotopia, periventricular, X-linked dominant (PVNH1). Also called: PERIVENTRICULAR NODULAR HETEROTOPIA 1; X-linked periventricular heterotopia; PERIVENTRICULAR NODULAR HETEROTOPIA 4; HETEROTOPIA, PERIVENTRICULAR, 1. Identifiers: Orphanet 2149, Orphanet 82004, MedGen C1848213, MONDO:0010233, OMIM 300049.
Oto-palato-digital syndrome, type II (OPD2). Also called: OPD II SYNDROME; FACIOPALATOOSSEOUS SYNDROME; Otopalatodigital Syndrome, Type II; Otopalatodigital Syndrome Type 2 (FLNA-OPD2). Identifiers: Orphanet 669, Orphanet 90652, MedGen C1844696, MONDO:0010571, OMIM 304120.
Melnick-Needles syndrome (MNS). Also called: MELNICK-NEEDLES OSTEODYSPLASTY; OSTEODYSPLASTY OF MELNICK AND NEEDLES; Melnick-Needles Syndrome (FLNA-MNS). Identifiers: Orphanet 2484, MedGen C0025237, MONDO:0010650, OMIM 309350.
Frontometaphyseal dysplasia (FMD1). Identifiers: Orphanet 1826, MedGen C0265293, MONDO:0015942.

Submission:

Labcorp Genetics (formerly Invitae), Labcorp
Classification: Pathogenic for Oto-palato-digital syndrome, type II; Heterotopia, periventricular, X-linked dominant; Frontometaphyseal dysplasia; Melnick-Needles syndrome. Last evaluated: 2024-07-21. Review status: criteria provided, single submitter. Criteria: Invitae Variant Classification Sherloc (09022015). Collection method: clinical testing. Allele origin: germline.
Comment: This sequence change creates a premature translational stop signal (p.Glu2102Alafs*48) in the FLNA gene. It is expected to result in an absent or disrupted protein product. Loss-of-function variants in FLNA are known to be pathogenic (PMID: 16684786, 20730588, 26471271). This variant is not present in population databases (gnomAD no frequency). This variant has not been reported in the literature in individuals affected with FLNA-related conditions. For these reasons, this variant has been classified as Pathogenic.

Literature cited by the submitters: PubMed 16684786; PubMed 20730588; PubMed 26471271.